The following is an entry in ClinVar:

ClinVar aggregate classification (germline): Uncertain significance (1 of 4 stars; one submission).

gnomAD v4.1: 3 of 1,205,019 alleles (0.00025%); highest among the groups gnomAD compares: African/African-American, 0.0017%; no homozygotes.

Submission:

Women's Health and Genetics/Laboratory Corporation of America, LabCorp
Classification: Uncertain significance. Last evaluated: 2021-05-28. Review status: criteria provided, single submitter. Criteria: LabCorp Variant Classification Summary - May 2015. Collection method: clinical testing. Allele origin: germline.
Comment: Variant summary: TBX22 c.868G>A (p.Val290Ile) results in a conservative amino acid change in the encoded protein sequence. Four of five in-silico tools predict a benign effect of the variant on protein function. The variant was absent in 183247 control chromosomes. The available data on variant occurrences in the general population are insufficient to allow any conclusion about variant significance. To our knowledge, no occurrence of c.868G>A in individuals affected with Cleft Palate With Or Without Ankyloglossia, X-Linked and no experimental evidence demonstrating its impact on protein function have been reported. No clinical diagnostic laboratories have submitted clinical-significance assessments for this variant to ClinVar after 2014. Based on the evidence outlined above, the variant was classified as uncertain significance.

NM_001109878.2(TBX22):c.868G>A (p.Val290Ile)

Gene: TBX22 (T-box transcription factor 22). Cytogenetic location: Xq21.1.
Variant type: single nucleotide variant.
Coding change: c.868G>A on transcript NM_001109878.2 (MANE Select); coding-DNA position 868, G replaced by A.
Protein change: p.Val290Ile; replaces valine 290 with isoleucine.
Molecular consequence: missense variant.
Genome position (GRCh38, 1-based): chrX:80,027,995, G>A. VCF-style: chrX-80027995-G-A. GRCh37 (hg19) VCF-style: chrX-79283494-G-A.
Other names: c.508G>A, p.Val170Ile (NM_001109879.2, NM_001303475.1); c.868G>A, p.Val290Ile (NM_016954.2); short protein forms V170I, V290I.
Identifiers: ClinVar variation 1172877 (VCV001172877.1), dbSNP rs2147602532, ClinGen allele CA413741157.